The following is an entry in ClinVar:

NM_004991.4(MECOM):c.572G>A (p.Ser191Asn)

Gene: MECOM (MDS1 and EVI1 complex locus; minus strand). Cytogenetic location: 3q26.2.
Variant type: single nucleotide variant.
Coding change: c.572G>A on transcript NM_004991.4 (MANE Select); coding-DNA position 572, G replaced by A.
Protein change: p.Ser191Asn; replaces serine 191 with asparagine.
Molecular consequence: missense variant.
Genome position (GRCh38, 1-based): chr3:169,131,470, C>T on the plus strand (G>A on the coding strand, the complement: MECOM is on the minus strand). VCF-style: chr3-169131470-C-T. GRCh37 (hg19) VCF-style: chr3-168849258-C-T.
Other names: c.200G>A, p.Ser67Asn (NM_001105077.4); c.8G>A, p.Ser3Asn (NM_001105078.4, NM_001163999.2, NM_001164000.2 and 9 more transcripts); c.572G>A, p.Ser191Asn (NM_001366466.2, NM_001366473.2); short protein forms S3N, S67N, S191N.
Identifiers: ClinVar variation 4624736 (VCV004624736.1).

ClinVar aggregate classification (germline): Uncertain significance (1 of 4 stars; one submission).

Conditions:
Inborn genetic diseases. Identifiers: MedGen C0950123, MeSH D030342.

gnomAD v4.1: 1 of 1,614,030 alleles (0.000062%); highest among the groups gnomAD compares: Admixed American, 0.0017%; no homozygotes.

Submission:

Ambry Genetics
Classification: Uncertain significance for Inborn genetic diseases. Last evaluated: 2025-12-07. Review status: criteria provided, single submitter. Criteria: Ambry Variant Classification Scheme 2023. Collection method: clinical testing. Allele origin: germline.
Comment: The p.S191N variant (also known as c.572G>A), located in coding exon 4 of the MECOM gene, results from a G to A substitution at nucleotide position 572. The serine at codon 191 is replaced by asparagine, an amino acid with highly similar properties. This amino acid position is conserved. In addition, this alteration is predicted to be tolerated by in silico analysis. Based on the available evidence, the clinical significance of this variant remains unclear.